The following is an entry in ClinVar:

ClinVar aggregate classification (germline): Uncertain significance (1 of 4 stars; one submission).

Conditions:
Sialuria. Also called: Sialic Acid Storage Disease; SIALURIA, FRENCH TYPE. Identifiers: Orphanet 3166, MedGen C0342853, MONDO:0010028, OMIM 269921.
GNE myopathy (NM). Also called: INCLUSION BODY MYOPATHY, HEREDITARY, AUTOSOMAL RECESSIVE; INCLUSION BODY MYOPATHY 2, AUTOSOMAL RECESSIVE; MYOPATHY, DISTAL, WITH OR WITHOUT RIMMED VACUOLES; Inclusion body myopathy quadriceps sparing; IBM 2; Inclusion body myopathy autosomal recessive. Identifiers: Orphanet 602, MedGen C1853926, MONDO:0011603, OMIM 605820.

Submission:

Labcorp Genetics (formerly Invitae), Labcorp
Classification: Uncertain significance for Sialuria; GNE myopathy. Last evaluated: 2023-10-08. Review status: criteria provided, single submitter. Criteria: Invitae Variant Classification Sherloc (09022015). Collection method: clinical testing. Allele origin: germline.
Comment: This sequence change replaces phenylalanine, which is neutral and non-polar, with valine, which is neutral and non-polar, at codon 593 of the GNE protein (p.Phe593Val). This variant is not present in population databases (gnomAD no frequency). This variant has not been reported in the literature in individuals affected with GNE-related conditions. Advanced modeling of protein sequence and biophysical properties (such as structural, functional, and spatial information, amino acid conservation, physicochemical variation, residue mobility, and thermodynamic stability) has been performed at Invitae for this missense variant, however the output from this modeling did not meet the statistical confidence thresholds required to predict the impact of this variant on GNE protein function. In summary, the available evidence is currently insufficient to determine the role of this variant in disease. Therefore, it has been classified as a Variant of Uncertain Significance.

NM_005476.7(GNE):c.1684T>G (p.Phe562Val)

Gene: GNE (glucosamine (UDP-N-acetyl)-2-epimerase/N-acetylmannosamine kinase; minus strand). Cytogenetic location: 9p13.3.
Variant type: single nucleotide variant.
Coding change: c.1684T>G on transcript NM_005476.7 (MANE Select); coding-DNA position 1684, T replaced by G.
Protein change: p.Phe562Val; replaces phenylalanine 562 with valine.
Molecular consequence: missense variant.
Genome position (GRCh38, 1-based): chr9:36,219,970, A>C on the plus strand (T>G on the coding strand, the complement: GNE is on the minus strand). VCF-style: chr9-36219970-A-C. GRCh37 (hg19) VCF-style: chr9-36219967-A-C.
Other names: c.1777T>G, p.Phe593Val (NM_001128227.3); c.1462T>G, p.Phe488Val (NM_001190383.3); c.1354T>G, p.Phe452Val (NM_001190384.3); c.1507T>G, p.Phe503Val (NM_001190388.2, NM_001374798.1); c.1531T>G, p.Phe511Val (NM_001374797.1); short protein forms F488V, F511V, F452V, F593V, F503V, F562V.
Identifiers: ClinVar variation 2952697 (VCV002952697.3), dbSNP rs2489604788, ClinGen allele CA373425761.
Genomic context (GRCh38, chr9:36,219,970, plus strand): 5'-CACAGGAACAATCAGGCCCATCCAGAGACACAACAAGGTGGCCCAGTTCTGCAGCACAGA[A>C]GGAGCTTCCGTGGATCAATTCATGCTGATGGATAATTCCACCACCGATTCCTACAGCGAG-3'
Protein context (NP_005467.1, residues 552-572): HQHELIHGSS[Phe562Val]CAAELGHLVV